The following is an entry in ClinVar:

ClinVar aggregate classification (germline): Uncertain significance. Review status: criteria provided, multiple submitters, no conflicts (2 of 4 stars). 3 submissions from 3 submitters: Uncertain significance (3). Last evaluated 2025-09-22.

Conditions:
Hypertrophic cardiomyopathy 25 (CMH25). Also called: CARDIOMYOPATHY, FAMILIAL HYPERTROPHIC, 25. Identifiers: MedGen C4225408, MONDO:0011843, OMIM 607487.
Primary familial hypertrophic cardiomyopathy (HCM). Identifiers: Orphanet 99739, MedGen C0949658, MeSH D024741, MONDO:0024573. Inheritance: Various modes of inheritance.
Autosomal recessive limb-girdle muscular dystrophy type 2G (LGMDR7). Also called: Telethoninopathy; MUSCULAR DYSTROPHY, LIMB-GIRDLE, AUTOSOMAL RECESSIVE 7; Limb-girdle muscular dystrophy, type 2G. Identifiers: Orphanet 34514, MedGen C1866008, MONDO:0011170, OMIM 601954.
Cardiovascular phenotype. Identifiers: MedGen CN230736.

Submissions (3):

Labcorp Genetics (formerly Invitae), Labcorp
Classification: Uncertain significance for Hypertrophic cardiomyopathy 25; Primary familial hypertrophic cardiomyopathy. Last evaluated: 2025-09-22. Review status: criteria provided, single submitter. Criteria: Invitae Variant Classification Sherloc (09022015). Collection method: clinical testing. Allele origin: germline.
Comment: This sequence change replaces arginine, which is basic and polar, with proline, which is neutral and non-polar, at codon 17 of the TCAP protein (p.Arg17Pro). Information on the frequency of this variant in the gnomAD database is not available, as this variant may be reported differently in the database. This variant has not been reported in the literature in individuals affected with TCAP-related conditions. ClinVar contains an entry for this variant (Variation ID: 533540). An algorithm developed to predict the effect of missense changes on protein structure and function (PolyPhen-2) suggests that this variant is likely to be disruptive. In summary, the available evidence is currently insufficient to determine the role of this variant in disease. Therefore, it has been classified as a Variant of Uncertain Significance.

Ambry Genetics
Classification: Uncertain significance for Cardiovascular phenotype. Last evaluated: 2023-04-18. Review status: criteria provided, single submitter. Criteria: Ambry Variant Classification Scheme 2023. Collection method: clinical testing. Allele origin: germline.
Comment: The c.50_51delGCinsCT variant (also known as p.R17P), located in coding exon 1 of the TCAP gene, results from an in-frame deletion of GC and insertion of CT at nucleotide positions 50 to 51. This results in the substitution of the arginine residue for a proline residue at codon 17, an amino acid with dissimilar properties. This amino acid position is well conserved in available vertebrate species. In addition, the in silico prediction for this alteration is inconclusive (Choi Y et al. PLoS ONE. 2012; 7(10):e46688). Since supporting evidence is limited at this time, the clinical significance of this alteration remains unclear.

Fulgent Genetics
Classification: Uncertain significance for Autosomal recessive limb-girdle muscular dystrophy type 2G; Hypertrophic cardiomyopathy 25. Last evaluated: 2021-08-30. Review status: criteria provided, single submitter. Criteria: ACMG Guidelines, 2015. Collection method: clinical testing. Allele origin: unknown.

NM_003673.4(TCAP):c.50_51delinsCT (p.Arg17Pro)

Gene: TCAP (titin-cap; plus strand). Cytogenetic location: 17q12.
Variant type: Indel.
Coding change: c.50_51delinsCT on transcript NM_003673.4 (MANE Select); coding-DNA positions 50 to 51, GC replaced by CT.
Protein change: p.Arg17Pro; replaces arginine 17 with proline.
Molecular consequence: missense variant.
Genome position (GRCh38, 1-based): chr17:39,665,409-39,665,410, GC replaced by CT. VCF-style: chr17-39665409-GC-CT. GRCh37 (hg19) VCF-style: chr17-37821662-GC-CT.
Other names: c.50_51delGCinsCT (NM_003673.3); short protein forms R17P.
Identifiers: ClinVar variation 533540 (VCV000533540.11), dbSNP rs1555606961, ClinGen allele CA658798824.
Genomic context (GRCh38, chr17:39,665,409, plus strand): 5'-GAGGAGTGATCATGGCTACCTCAGAGCTGAGCTGCGAGGTGTCGGAGGAGAACTGTGAGC[GC>CT]CGGGAGGCCTTCTGGGCAGAATGGAAGGATCTGACACTGTCCACACGGCCCGAGGAGGGG-3'
Protein context (NP_003664.1, residues 7-27): SCEVSEENCE[Arg17Pro]REAFWAEWKD